The following is an entry in ClinVar:

ClinVar aggregate classification (germline): Uncertain significance. Review status: criteria provided, multiple submitters, no conflicts (2 of 4 stars). 3 submissions from 3 submitters: Uncertain significance (3). Last evaluated 2025-09-02.

Conditions:
Age related macular degeneration 1 (ARMD1). Also called: MACULOPATHY, AGE-RELATED, 1. Identifiers: MedGen C1864205, MONDO:0011285, OMIM 603075.

gnomAD v4.1: 47 of 1,613,406 alleles (0.0029%); highest among the groups gnomAD compares: Middle Eastern, 0.016%; no homozygotes.

Submissions (3):

Labcorp Genetics (formerly Invitae), Labcorp
Classification: Uncertain significance. Last evaluated: 2025-09-02. Review status: criteria provided, single submitter. Criteria: Invitae Variant Classification Sherloc (09022015). Collection method: clinical testing. Allele origin: germline.
Comment: This sequence change replaces phenylalanine, which is neutral and non-polar, with cysteine, which is neutral and slightly polar, at codon 1631 of the HMCN1 protein (p.Phe1631Cys). This variant is present in population databases (no rsID available, gnomAD 0.005%). This variant has not been reported in the literature in individuals affected with HMCN1-related conditions. ClinVar contains an entry for this variant (Variation ID: 1383335). An algorithm developed to predict the effect of missense changes on protein structure and function (PolyPhen-2) suggests that this variant is likely to be disruptive. In summary, the available evidence is currently insufficient to determine the role of this variant in disease. Therefore, it has been classified as a Variant of Uncertain Significance.

Genome-Nilou Lab
Classification: Uncertain significance for Age related macular degeneration 1. Last evaluated: 2023-04-11. Review status: criteria provided, single submitter. Criteria: ACMG Guidelines, 2015. Collection method: clinical testing. Allele origin: germline. Affected: no.

Ambry Genetics
Classification: Uncertain significance. Last evaluated: 2023-02-22. Review status: criteria provided, single submitter. Criteria: Ambry Variant Classification Scheme 2023. Collection method: clinical testing. Allele origin: germline.

NM_031935.3(HMCN1):c.4892T>G (p.Phe1631Cys)

Gene: HMCN1 (hemicentin 1; plus strand). Cytogenetic location: 1q31.1.
Variant type: single nucleotide variant.
Coding change: c.4892T>G on transcript NM_031935.3 (MANE Select); coding-DNA position 4892, T replaced by G.
Protein change: p.Phe1631Cys; replaces phenylalanine 1631 with cysteine.
Molecular consequence: missense variant.
Genome position (GRCh38, 1-based): chr1:186,015,420, T>G. VCF-style: chr1-186015420-T-G. GRCh37 (hg19) VCF-style: chr1-185984552-T-G.
Other names: c.4892T>G (NM_031935.2); short protein forms F1631C.
Identifiers: ClinVar variation 1383335 (VCV001383335.8), dbSNP rs765224895, ClinGen allele CA33453707.